The following is an entry in ClinVar:

ClinVar aggregate classification (germline): Likely benign. Review status: criteria provided, multiple submitters, no conflicts (2 of 4 stars). 2 submissions from 2 submitters: Likely benign (2). Last evaluated 2019-09-17.

Conditions:
Hereditary cancer-predisposing syndrome. Also called: Hereditary neoplastic syndrome; Tumor predisposition; Neoplastic Syndromes, Hereditary; Hereditary Cancer Syndrome. Identifiers: Orphanet 140162, MedGen C0027672, MeSH D009386, MONDO:0015356.

Submissions (2):

Color Diagnostics, LLC DBA Color Health
Classification: Likely benign for Hereditary cancer-predisposing syndrome. Last evaluated: 2019-09-17. Review status: criteria provided, single submitter. Criteria: ACMG Guidelines, 2015. Collection method: clinical testing. Allele origin: germline.

GeneDx
Classification: Likely benign. Last evaluated: 2016-07-06. Review status: criteria provided, single submitter. Criteria: GeneDx Variant Classification (06012015). Collection method: clinical testing. Allele origin: germline. Affected: yes.
Comment: This variant is considered likely benign or benign based on one or more of the following criteria: it is a conservative change, it occurs at a poorly conserved position in the protein, it is predicted to be benign by multiple in silico algorithms, and/or has population frequency not consistent with disease.

NM_000179.3(MSH6):c.3438+14delinsTT

Gene: MSH6 (mutS homolog 6; plus strand). Cytogenetic location: 2p16.3.
Variant type: Indel.
Coding change: c.3438+14delinsTT on transcript NM_000179.3 (MANE Select); 14 bases into the intron after coding-DNA position 3438, A replaced by TT.
Molecular consequence: intron variant.
Genome position (GRCh38, 1-based): chr2:47,803,699, A replaced by TT. VCF-style: chr2-47803699-A-TT. GRCh37 (hg19) VCF-style: chr2-48030838-A-TT.
Other names: c.2532+14delinsTT (NM_001281493.2, NM_001281494.2); c.3048+14delinsTT (NM_001281492.2); c.3438+14delAinsTT (NM_000179.2).
Identifiers: ClinVar variation 418331 (VCV000418331.3), dbSNP rs1064793191, ClinGen allele CA16617700.